The following is an entry in ClinVar:

NM_000081.4(LYST):c.3325C>G (p.Leu1109Val)

Gene: LYST (lysosomal trafficking regulator; minus strand). Cytogenetic location: 1q42.3.
Variant type: single nucleotide variant.
Coding change: c.3325C>G on transcript NM_000081.4 (MANE Select); coding-DNA position 3325, C replaced by G.
Protein change: p.Leu1109Val; replaces leucine 1109 with valine.
Molecular consequence: missense variant.
Genome position (GRCh38, 1-based): chr1:235,805,811, G>C on the plus strand (C>G on the coding strand, the complement: LYST is on the minus strand). VCF-style: chr1-235805811-G-C. GRCh37 (hg19) VCF-style: chr1-235969111-G-C.
Other names: c.3325C>G, p.Leu1109Val (NM_001301365.1); short protein forms L1109V.
Identifiers: ClinVar variation 2153682 (VCV002153682.3), dbSNP rs1672770287, ClinGen allele CA344951549.

ClinVar aggregate classification (germline): Uncertain significance (1 of 4 stars; one submission).

Conditions:
Chédiak-Higashi syndrome (CHS). Also called: Chediak-Higashi Syndrome. Identifiers: Orphanet 167, MedGen C0007965, MONDO:0008963, OMIM 214500.

Allele frequency attached by ClinVar (database versions not stated): gnomAD 0.00001; gnomAD exomes 0.00001.
gnomAD v4.1: 14 of 1,613,376 alleles (0.00087%); highest among the groups gnomAD compares: African/African-American, 0.0013%; no homozygotes.

Submission:

Labcorp Genetics (formerly Invitae), Labcorp
Classification: Uncertain significance for Chédiak-Higashi syndrome. Last evaluated: 2024-01-22. Review status: criteria provided, single submitter. Criteria: Invitae Variant Classification Sherloc (09022015). Collection method: clinical testing. Allele origin: germline.
Comment: This sequence change replaces leucine, which is neutral and non-polar, with valine, which is neutral and non-polar, at codon 1109 of the LYST protein (p.Leu1109Val). This variant is not present in population databases (gnomAD no frequency). This variant has not been reported in the literature in individuals affected with LYST-related conditions. ClinVar contains an entry for this variant (Variation ID: 2153682). Advanced modeling of protein sequence and biophysical properties (such as structural, functional, and spatial information, amino acid conservation, physicochemical variation, residue mobility, and thermodynamic stability) performed at Invitae indicates that this missense variant is not expected to disrupt LYST protein function with a negative predictive value of 80%. In summary, the available evidence is currently insufficient to determine the role of this variant in disease. Therefore, it has been classified as a Variant of Uncertain Significance.